The following is an entry in ClinVar:

ClinVar aggregate classification (germline): Likely pathogenic (1 of 4 stars; one submission).

Conditions:
Congenital lipoid adrenal hyperplasia due to STAR deficency. Also called: ADRENAL HYPERPLASIA I; Congenital Lipoid Adrenal Hyperplasia; Lipoid adrenal hyperplasia; Cholesterol monooxygenase (side-chain cleaving) deficiency. Identifiers: Orphanet 418, Orphanet 90790, MedGen C0342474, MONDO:0008725, OMIM 201710.

Submission:

Natera, Inc.
Classification: Likely pathogenic for Congenital lipoid adrenal hyperplasia. Last evaluated: 2024-08-07. Review status: criteria provided, single submitter. Criteria: Natera Variant Classification Schema (03/2026). Collection method: clinical testing. Allele origin: germline.
Comment: The c.482_483del variant in STAR is a frameshift variant predicted to shift the reading frame beginning at codon 161 and leads to a stop codon 22 codons downstream. This variant is expected to result in nonsense mediated decay, truncation, or a dysfunctional protein product. This variant is rare in the general population with a frequency below the threshold expected for the associated phenotype(s). Given the available evidence, this variant is classified as Likely Pathogenic.

NM_000349.3(STAR):c.482_483del (p.Gly161fs)

Gene: STAR (steroidogenic acute regulatory protein; minus strand). Cytogenetic location: 8p11.23.
Variant type: Deletion.
Coding change: c.482_483del on transcript NM_000349.3 (MANE Select); coding-DNA positions 482 to 483, 2 bases deleted (GA; older notation c.482_483delGA).
Protein change: p.Gly161fs; shifts the reading frame from glycine 161.
Molecular consequence: frameshift variant.
Genome position (GRCh38, 1-based): chr8:38,146,130-38,146,131, TC deleted on the plus strand (GA on the coding strand, the reverse complement: STAR is on the minus strand). VCF-style (leftmost placement, unchanged base first): chr8-38146129-TTC-T. GRCh37 (hg19) VCF-style: chr8-38003647-TTC-T.
Other names: short protein forms G161fs.
Identifiers: ClinVar variation 4818222 (VCV004818222.1).